The following is an entry in ClinVar:

ClinVar aggregate classification (germline): Uncertain significance (1 of 4 stars; one submission).

Conditions:
Familial intrahepatic cholestasis. Identifiers: Orphanet 284385, MedGen CN296401, MONDO:0017290.

Submission:

Genomenon, Inc
Classification: Uncertain significance for Familial intrahepatic cholestasis. Last evaluated: 2026-04-14. Review status: criteria provided, single submitter. Criteria: Genomenon Sequence Variant Interpretation Standards - Updated. Collection method: curation. Allele origin: germline. Affected: no.
Comment: ATP8B1 p.Lys885Thr (c.2654A>C) is a missense variant that changes the amino acid at residue 885 from Lysine to Threonine. This variant has been reported in the published literature (PMID:24260417). It is absent or not present at a significant frequency in gnomAD. In silico models predict that this variant is possibly or probably damaging. In conclusion, we classify ATP8B1 p.Lys885Thr (c.2654A>C) as a variant of uncertain significance.

Literature cited by the submitters: PubMed 24260417.

NM_001374385.1(ATP8B1):c.2654A>C (p.Lys885Thr)

Genes: ATP8B1 (ATPase phospholipid transporting 8B1; minus strand), ATP8B1-AS1 (ATP8B1 antisense RNA 1; plus strand). Cytogenetic location: 18q21.31.
Variant type: single nucleotide variant.
Coding change: c.2654A>C on transcript NM_001374385.1 (MANE Select); coding-DNA position 2654, A replaced by C.
Protein change: p.Lys885Thr; replaces lysine 885 with threonine.
Molecular consequence: missense variant.
Genome position (GRCh38, 1-based): chr18:57,661,227, T>G on the plus strand (A>C on the coding strand, the complement: ATP8B1 is on the minus strand). VCF-style: chr18-57661227-T-G. GRCh37 (hg19) VCF-style: chr18-55328459-T-G.
Other names: c.2504A>C, p.Lys835Thr (NM_001374386.1); c.2654A>C, p.Lys885Thr (NM_005603.6); short protein forms K835T, K885T.
Identifiers: ClinVar variation 4846245 (VCV004846245.1).
Genomic context (GRCh38, chr18:57,661,227, plus strand): 5'-GACTCACTTTTGATCATGTTCACGTCATTGGCCCCATCTCCGATGGCCAGCGTGATGGCT[T>G]TCTTGTACCTCTTCACCAGGTCCACCACCATGGCCTTCTGCTTGGGGGTGACGCGGCAGC-3'
Protein context (NP_001361314.1, residues 875-895): MVVDLVKRYK[Lys885Thr]AITLAIGDGA